The following is an entry in ClinVar:

NM_030958.3(SLCO5A1):c.1472A>G (p.Tyr491Cys)

Gene: SLCO5A1 (solute carrier organic anion transporter family member 5A1; minus strand). Cytogenetic location: 8q13.3.
Variant type: single nucleotide variant.
Coding change: c.1472A>G on transcript NM_030958.3 (MANE Select); coding-DNA position 1472, A replaced by G.
Protein change: p.Tyr491Cys; replaces tyrosine 491 with cysteine.
Molecular consequence: missense variant.
Genome position (GRCh38, 1-based): chr8:69,705,181, T>C on the plus strand (A>G on the coding strand, the complement: SLCO5A1 is on the minus strand). VCF-style: chr8-69705181-T-C. GRCh37 (hg19) VCF-style: chr8-70617416-T-C.
Other names: c.1472A>G, p.Tyr491Cys (NM_001146008.2); c.1307A>G, p.Tyr436Cys (NM_001146009.1); short protein forms Y436C, Y491C.
Identifiers: ClinVar variation 3700047 (VCV003700047.2).
Genomic context (GRCh38, chr8:69,705,181, plus strand): 5'-CTGCAGATCATTGCTAGTTTTGCAGATTCTCTGGCACCAAGTTTCAATTTTTTTATAATG[T>C]AGCCTCCGAGGACAATACCAACACCAGCACTGGGGACGATAATAACCCCTGGGGAGAAGA-3'
Protein context (NP_112220.2, residues 481-501): SAGVGIVLGG[Tyr491Cys]IIKKLKLGAR

ClinVar aggregate classification (germline): Uncertain significance (1 of 4 stars; one submission).

gnomAD v4.1: 1 of 1,614,194 alleles (0.000062%); highest among the groups gnomAD compares: Non-Finnish European, 0.000085%; no homozygotes.

Submission:

Labcorp Genetics (formerly Invitae), Labcorp
Classification: Uncertain significance. Last evaluated: 2024-07-06. Review status: criteria provided, single submitter. Criteria: Invitae Variant Classification Sherloc (09022015). Collection method: clinical testing. Allele origin: germline.
Comment: This sequence change replaces tyrosine, which is neutral and polar, with cysteine, which is neutral and slightly polar, at codon 491 of the SLCO5A1 protein (p.Tyr491Cys). This variant is not present in population databases (gnomAD no frequency). This variant has not been reported in the literature in individuals affected with SLCO5A1-related conditions. An algorithm developed to predict the effect of missense changes on protein structure and function (PolyPhen-2) suggests that this variant is likely to be disruptive. In summary, the available evidence is currently insufficient to determine the role of this variant in disease. Therefore, it has been classified as a Variant of Uncertain Significance.